The following is an entry in ClinVar:

ClinVar aggregate classification (germline): Uncertain significance. Review status: criteria provided, multiple submitters, no conflicts (2 of 4 stars). 3 submissions from 3 submitters: Uncertain significance (3). Last evaluated 2025-12-30.

Conditions:
Tuberous sclerosis 2 (TSC2). Identifiers: Orphanet 805, MedGen C1860707, MONDO:0013199, OMIM 613254.
Hereditary cancer-predisposing syndrome. Also called: Tumor predisposition; Hereditary neoplastic syndrome; Hereditary Cancer Syndrome; Neoplastic Syndromes, Hereditary. Identifiers: Orphanet 140162, MedGen C0027672, MeSH D009386, MONDO:0015356.

Submissions (3):

Ambry Genetics
Classification: Uncertain significance for Hereditary cancer-predisposing syndrome. Last evaluated: 2025-12-30. Review status: criteria provided, single submitter. Criteria: Ambry Variant Classification Scheme 2023. Collection method: clinical testing. Allele origin: germline.
Comment: The p.G630S variant (also known as c.1888G>A), located in coding exon 17 of the TSC2 gene, results from a G to A substitution at nucleotide position 1888. The glycine at codon 630 is replaced by serine, an amino acid with similar properties. This amino acid position is highly conserved in available vertebrate species. In addition, this alteration is predicted to be deleterious by in silico analysis. Based on the available evidence, the clinical significance of this variant remains unclear.

Labcorp Genetics (formerly Invitae), Labcorp
Classification: Uncertain significance for Tuberous sclerosis 2. Last evaluated: 2024-02-11. Review status: criteria provided, single submitter. Criteria: Invitae Variant Classification Sherloc (09022015). Collection method: clinical testing. Allele origin: germline.
Comment: This sequence change replaces glycine, which is neutral and non-polar, with serine, which is neutral and polar, at codon 630 of the TSC2 protein (p.Gly630Ser). This variant is not present in population databases (gnomAD no frequency). This variant has not been reported in the literature in individuals affected with TSC2-related conditions. ClinVar contains an entry for this variant (Variation ID: 967334). Advanced modeling of protein sequence and biophysical properties (such as structural, functional, and spatial information, amino acid conservation, physicochemical variation, residue mobility, and thermodynamic stability) has been performed at Invitae for this missense variant, however the output from this modeling did not meet the statistical confidence thresholds required to predict the impact of this variant on TSC2 protein function. In summary, the available evidence is currently insufficient to determine the role of this variant in disease. Therefore, it has been classified as a Variant of Uncertain Significance.

GeneDx
Classification: Uncertain significance. Last evaluated: 2023-06-15. Review status: criteria provided, single submitter. Criteria: GeneDx Variant Classification Process June 2021. Collection method: clinical testing. Allele origin: germline. Affected: yes.
Comment: Not observed at significant frequency in large population cohorts (gnomAD); In silico analysis supports that this missense variant has a deleterious effect on protein structure/function; Has not been previously published as pathogenic or benign to our knowledge

NM_000548.5(TSC2):c.1888G>A (p.Gly630Ser)

Gene: TSC2 (TSC complex subunit 2; plus strand). Cytogenetic location: 16p13.3.
Variant type: single nucleotide variant.
Coding change: c.1888G>A on transcript NM_000548.5 (MANE Select); coding-DNA position 1888, G replaced by A.
Protein change: p.Gly630Ser; replaces glycine 630 with serine.
Molecular consequence: missense variant.
Genome position (GRCh38, 1-based): chr16:2,071,558, G>A. VCF-style: chr16-2071558-G-A. GRCh37 (hg19) VCF-style: chr16-2121559-G-A.
Other names: c.1888G>A, p.Gly630Ser (NM_001077183.3, NM_001114382.3, NM_001363528.2 and 3 more transcripts); c.1777G>A, p.Gly593Ser (NM_001318827.2); c.1741G>A, p.Gly581Ser (NM_001318829.2); c.1288G>A, p.Gly430Ser (NM_001318831.2); c.1921G>A, p.Gly641Ser (NM_001318832.2); short protein forms G581S, G593S, G630S, G430S, G641S.
Identifiers: ClinVar variation 967334 (VCV000967334.11), dbSNP rs2088394240, ClinGen allele CA394273129.
Genomic context (GRCh38, chr16:2,071,558, plus strand): 5'-TCTTCCTGACAGGCCTTTGACTTCCTGTTGCTGCTGCGGGCCGACTCACTGCACCGCCTG[G>A]GCCTGCCCAACAAGGATGGAGTCGTGCGGTTCAGCCCCTACTGCGTCTGCGACTACATGT-3'
Protein context (NP_000539.2, residues 620-640): LLRADSLHRL[Gly630Ser]LPNKDGVVRF